The following is an entry in ClinVar:

ClinVar aggregate classification (germline): Uncertain significance. Review status: criteria provided, multiple submitters, no conflicts (2 of 4 stars). 2 submissions from 2 submitters: Uncertain significance (2). Last evaluated 2025-11-05.

Conditions:
ACE-related disorder. Also called: ACE-related disorders; ACE-related condition.

Allele frequency attached by ClinVar (database versions not stated): TOPMed 0.00010; gnomAD 0.00012 and 0.00013; ESP Exome Variant Server 0.00015; gnomAD exomes 0.00025; ExAC 0.00028.
gnomAD v4.1: 199 of 1,613,358 alleles (0.012%); highest among the groups gnomAD compares: Non-Finnish European, 0.012%; no homozygotes.

Submissions (2):

PreventionGenetics, part of Exact Sciences
Classification: Uncertain significance for ACE-related condition. Last evaluated: 2025-11-05. Review status: criteria provided, single submitter. Criteria: ACMG Guidelines, 2015. Collection method: clinical testing. Allele origin: germline.
Comment: The ACE c.2291T>A variant is predicted to result in the amino acid substitution p.Leu764Gln. To our knowledge, this variant has not been reported in the literature. This variant is reported in 0.080% of alleles in individuals of European (Finnish) descent in gnomAD. At this time, the clinical significance of this variant is uncertain due to the absence of conclusive functional and genetic evidence.

Labcorp Genetics (formerly Invitae), Labcorp
Classification: Uncertain significance. Last evaluated: 2025-06-12. Review status: criteria provided, single submitter. Criteria: Invitae Variant Classification Sherloc (09022015). Collection method: clinical testing. Allele origin: germline.
Comment: This sequence change replaces leucine, which is neutral and non-polar, with glutamine, which is neutral and polar, at codon 764 of the ACE protein (p.Leu764Gln). This variant is present in population databases (rs145819052, gnomAD 0.08%). This variant has not been reported in the literature in individuals affected with ACE-related conditions. ClinVar contains an entry for this variant (Variation ID: 1403983). Invitae Evidence Modeling of protein sequence and biophysical properties (such as structural, functional, and spatial information, amino acid conservation, physicochemical variation, residue mobility, and thermodynamic stability) indicates that this missense variant is not expected to disrupt ACE protein function with a negative predictive value of 80%. In summary, the available evidence is currently insufficient to determine the role of this variant in disease. Therefore, it has been classified as a Variant of Uncertain Significance.

NM_000789.4(ACE):c.2291T>A (p.Leu764Gln)

Gene: ACE (angiotensin I converting enzyme; plus strand). Cytogenetic location: 17q23.3.
Variant type: single nucleotide variant.
Coding change: c.2291T>A on transcript NM_000789.4 (MANE Select); coding-DNA position 2291, T replaced by A.
Protein change: p.Leu764Gln; replaces leucine 764 with glutamine.
Molecular consequence: missense variant. On other transcripts: non-coding transcript variant (1).
Genome position (GRCh38, 1-based): chr17:63,487,059, T>A. VCF-style: chr17-63487059-T-A. GRCh37 (hg19) VCF-style: chr17-61564420-T-A.
Other names: c.2291T>A (NM_000789.3); c.569T>A, p.Leu190Gln (NM_001178057.2, NM_152830.3); c.1724T>A, p.Leu575Gln (NM_001382700.1); c.1439T>A, p.Leu480Gln (NM_001382701.1); c.221T>A, p.Leu74Gln (NM_001382702.1); short protein forms L480Q, L74Q, L575Q, L764Q, L190Q.
Identifiers: ClinVar variation 1403983 (VCV001403983.8), dbSNP rs145819052, ClinGen allele CA8699996.
Genomic context (GRCh38, chr17:63,487,059, plus strand): 5'-TGTTGGATATGGAAACCACCTACAGCGTGGCCACTGTGTGCCACCCGAATGGCAGCTGCC[T>A]GCAGCTCGAGCCAGGTGAGAGCTCATGTGCAGGCTGAGTGAGAGGCGAGGGCTGGGACTG-3'
Protein context (NP_000780.1, residues 754-774): ATVCHPNGSC[Leu764Gln]QLEPDLTNVM